The following is an entry in ClinVar:

ClinVar aggregate classification (germline): Likely benign (0 of 4 stars; one submission).

Conditions:
SOD3-related disorder. Also called: SOD3-related condition.

Allele frequency attached by ClinVar (database versions not stated): ExAC 0.00037; ESP Exome Variant Server 0.00092; 1000 Genomes Project 0.00120; 1000 Genomes Project 30x 0.00125; gnomAD 0.00155; TOPMed 0.00178.
gnomAD v4.1: 467 of 1,604,566 alleles (0.029%); highest among the groups gnomAD compares: African/African-American, 0.53%; 2 homozygotes.

Submission:

PreventionGenetics, part of Exact Sciences
Classification: Likely benign for SOD3-related condition. Last evaluated: 2022-05-31. Review status: no assertion criteria provided. Collection method: clinical testing. Allele origin: germline.
Comment: This variant is classified as likely benign based on ACMG/AMP sequence variant interpretation guidelines (Richards et al. 2015 PMID: 25741868, with internal and published modifications).

NM_003102.4(SOD3):c.83A>G (p.Asn28Ser)

Gene: SOD3 (superoxide dismutase 3; plus strand). Cytogenetic location: 4p15.2.
Variant type: single nucleotide variant.
Coding change: c.83A>G on transcript NM_003102.4 (MANE Select); coding-DNA position 83, A replaced by G.
Protein change: p.Asn28Ser; replaces asparagine 28 with serine.
Molecular consequence: missense variant.
Genome position (GRCh38, 1-based): chr4:24,799,604, A>G. VCF-style: chr4-24799604-A-G. GRCh37 (hg19) VCF-style: chr4-24801226-A-G.
Other names: short protein forms N28S.
Identifiers: ClinVar variation 3037717 (VCV003037717.2), dbSNP rs144089452, ClinGen allele CA2876207.
Genomic context (GRCh38, chr4:24,799,604, plus strand): 5'-GCCTGCTCCTGGCAGCCGGTGCCTCGGACGCCTGGACGGGCGAGGACTCGGCGGAGCCCA[A>G]CTCTGACTCGGCGGAGTGGATCCGAGACATGTACGCCAAGGTCACGGAGATCTGGCAGGA-3'
Protein context (NP_003093.2, residues 18-38): AWTGEDSAEP[Asn28Ser]SDSAEWIRDM